The following is an entry in ClinVar:

ClinVar aggregate classification (germline): Uncertain significance. Review status: criteria provided, multiple submitters, no conflicts (2 of 4 stars). 2 submissions from 2 submitters: Uncertain significance (2). Last evaluated 2025-09-27.

Conditions:
Inborn genetic diseases. Identifiers: MedGen C0950123, MeSH D030342.

gnomAD v4.1: 78 of 1,614,064 alleles (0.0048%); highest among the groups gnomAD compares: Middle Eastern, 0.016%; no homozygotes.

Submissions (2):

Ambry Genetics
Classification: Uncertain significance for Inborn genetic diseases. Last evaluated: 2025-09-27. Review status: criteria provided, single submitter. Criteria: Ambry Variant Classification Scheme 2023. Collection method: clinical testing. Allele origin: germline.

Mayo Clinic Laboratories, Mayo Clinic
Classification: Uncertain significance. Last evaluated: 2024-04-09. Review status: criteria provided, single submitter. Criteria: ACMG Guidelines, 2015. Collection method: clinical testing. Allele origin: germline. Observed: 1 variant allele.
Comment: BP4, PM2_moderate

NM_001112.4(ADARB1):c.1034C>T (p.Pro345Leu)

Gene: ADARB1 (adenosine deaminase RNA specific B1; plus strand). Cytogenetic location: 21q22.3.
Variant type: single nucleotide variant.
Coding change: c.1034C>T on transcript NM_001112.4 (MANE Select); coding-DNA position 1034, C replaced by T.
Protein change: p.Pro345Leu; replaces proline 345 with leucine.
Molecular consequence: missense variant. On other transcripts: non-coding transcript variant (5).
Genome position (GRCh38, 1-based): chr21:45,180,400, C>T. VCF-style: chr21-45180400-C-T. GRCh37 (hg19) VCF-style: chr21-46600315-C-T.
Other names: p.Pro345Leu; c.1034C>T, p.Pro345Leu (NM_001160230.2, NM_001346688.2, NM_015833.4 and 1 more transcripts); c.1181C>T, p.Pro394Leu (NM_001346687.2, NM_001410722.1); c.1034C>T (NM_015833.3); short protein forms P345L, P394L.
Identifiers: ClinVar variation 3380681 (VCV003380681.2).
Genomic context (GRCh38, chr21:45,180,400, plus strand): 5'-ACGCTGTCTCACGCCTGGTCCTGGGTAAGTTTGGTGACCTGACCGACAACTTCTCCTCCC[C>T]TCACGCTCGCAGAAAAGTGCTGGCTGGAGTCGTCATGACAACAGGTAACCATCTTGGTGT-3'
Protein context (NP_001103.1, residues 335-355): FGDLTDNFSS[Pro345Leu]HARRKVLAGV